The following is an entry in ClinVar:

ClinVar aggregate classification (germline): Likely benign. Review status: criteria provided, multiple submitters, no conflicts (2 of 4 stars). 2 submissions from 2 submitters: Likely benign (2). Last evaluated 2026-01-28.

Conditions:
Argininosuccinate lyase deficiency. Also called: Argininosuccinic aciduria; ARGININOSUCCINIC ACID LYASE DEFICIENCY; ASL DEFICIENCY. Identifiers: Orphanet 23, MedGen C0268547, MONDO:0008815, OMIM 207900, HP:0025630.

Allele frequency attached by ClinVar (database versions not stated): gnomAD exomes 0.00002; ExAC 0.00004; gnomAD 0.00013; TOPMed 0.00013; 1000 Genomes Project 30x 0.00016; 1000 Genomes Project 0.00020; ESP Exome Variant Server 0.00023.
gnomAD v4.1: 43 of 1,609,724 alleles (0.0027%); highest among the groups gnomAD compares: African/African-American, 0.055%; no homozygotes.

Submissions (2):

Labcorp Genetics (formerly Invitae), Labcorp
Classification: Likely benign for Argininosuccinate lyase deficiency. Last evaluated: 2026-01-28. Review status: criteria provided, single submitter. Criteria: Invitae Variant Classification Sherloc (09022015). Collection method: clinical testing. Allele origin: germline.

GeneDx
Classification: Likely benign. Last evaluated: 2016-02-22. Review status: criteria provided, single submitter. Criteria: GeneDx Variant Classification (06012015). Collection method: clinical testing. Allele origin: germline. Affected: yes.
Comment: This variant is considered likely benign or benign based on one or more of the following criteria: it is a conservative change, it occurs at a poorly conserved position in the protein, it is predicted to be benign by multiple in silico algorithms, and/or has population frequency not consistent with disease.

NM_000048.4(ASL):c.1143+13C>A

Gene: ASL (argininosuccinate lyase; plus strand). Cytogenetic location: 7q11.21.
Variant type: single nucleotide variant.
Coding change: c.1143+13C>A on transcript NM_000048.4 (MANE Select); 13 bases into the intron after coding-DNA position 1143, C replaced by A.
Molecular consequence: intron variant.
Genome position (GRCh38, 1-based): chr7:66,092,099, C>A. VCF-style: chr7-66092099-C-A. GRCh37 (hg19) VCF-style: chr7-65557086-C-A.
Other names: c.1143+13C>A (NM_001024943.2); c.1083+13C>A (NM_001024944.2); c.1065+13C>A (NM_001024946.2).
Identifiers: ClinVar variation 383619 (VCV000383619.6), dbSNP rs202069416, ClinGen allele CA4277306.